The following is an entry in ClinVar:

ClinVar aggregate classification (germline): Uncertain significance (1 of 4 stars; one submission).

Submission:

GeneDx
Classification: Uncertain significance. Last evaluated: 2024-09-13. Review status: criteria provided, single submitter. Criteria: GeneDx Variant Classification Process June 2021. Collection method: clinical testing. Allele origin: germline. Affected: yes.
Comment: Not observed at significant frequency in large population cohorts (gnomAD); In silico analysis indicates that this missense variant does not alter protein structure/function; Has not been previously published as pathogenic or benign to our knowledge

NM_001694.4(ATP6V0C):c.250A>C (p.Ile84Leu)

Gene: ATP6V0C (ATPase H+ transporting V0 subunit c; plus strand). Cytogenetic location: 16p13.3.
Variant type: single nucleotide variant.
Coding change: c.250A>C on transcript NM_001694.4 (MANE Select); coding-DNA position 250, A replaced by C.
Protein change: p.Ile84Leu; replaces isoleucine 84 with leucine.
Molecular consequence: missense variant.
Genome position (GRCh38, 1-based): chr16:2,519,388, A>C. VCF-style: chr16-2519388-A-C. GRCh37 (hg19) VCF-style: chr16-2569389-A-C.
Other names: c.250A>C, p.Ile84Leu (NM_001198569.2); short protein forms I84L.
Identifiers: ClinVar variation 3770113 (VCV003770113.1).